The following is an entry in ClinVar:

NM_182758.4(WDR72):c.*588G>A

Gene: WDR72 (WD repeat domain 72; minus strand). Cytogenetic location: 15q21.3.
Variant type: single nucleotide variant.
Coding change: c.*588G>A on transcript NM_182758.4 (MANE Select); 588 bases downstream of the stop codon, G replaced by A.
Molecular consequence: 3 prime UTR variant. On other transcripts: non-coding transcript variant (3).
Genome position (GRCh38, 1-based): chr15:53,517,111, C>T on the plus strand (G>A on the coding strand, the complement: WDR72 is on the minus strand). VCF-style: chr15-53517111-C-T. GRCh37 (hg19) VCF-style: chr15-53809308-C-T.
Other names: c.*588G>A (NM_001277176.2).
Identifiers: ClinVar variation 316568 (VCV000316568.5), dbSNP rs140879069, ClinGen allele CA10642217.

ClinVar aggregate classification (germline): Likely benign (1 of 4 stars; one submission).

Conditions:
Amelogenesis imperfecta hypomaturation type 2A3. Also called: Amelogenesis imperfecta, type IIA3. Identifiers: Orphanet 88661, MedGen C2750771, MONDO:0013181, OMIM 613211. Disease mechanism: loss of function.

Allele frequency attached by ClinVar (database versions not stated): gnomAD exomes 0.00047; 1000 Genomes Project 0.00819; gnomAD 0.00864 and 0.00936; 1000 Genomes Project 30x 0.00906; TOPMed 0.00960.
gnomAD v4.1: 1,309 of 158,698 alleles (0.82%); highest among the groups gnomAD compares: African/African-American, 3%; 23 homozygotes.

Submission:

Illumina Laboratory Services, Illumina
Classification: Likely benign for Amelogenesis imperfecta hypomaturation type 2A3. Last evaluated: 2018-01-12. Review status: criteria provided, single submitter. Criteria: ICSL Variant Classification Criteria 13 December 2019. Collection method: clinical testing. Allele origin: germline.
Comment: This variant was observed in the ICSL laboratory as part of a predisposition screen in an ostensibly healthy population. It had not been previously curated by ICSL or reported in the Human Gene Mutation Database (HGMD: prior to June 1st, 2018), and was therefore a candidate for classification through an automated scoring system. Utilizing variant allele frequency, disease prevalence and penetrance estimates, and inheritance mode, an automated score was calculated to assess if this variant is too frequent to cause the disease. Based on the score and internal cut-off values, a variant classified as likely benign is not then subjected to further curation. The score for this variant resulted in a classification of likely benign for this disease.